The following is an entry in ClinVar:

ClinVar aggregate classification (germline): Uncertain significance (1 of 4 stars; one submission).

Conditions:
Dilated cardiomyopathy 1W (CMD1W). Identifiers: Orphanet 154, MedGen C1969639, MONDO:0012667, OMIM 611407.

Allele frequency attached by ClinVar (database versions not stated): gnomAD exomes 0.00001.
gnomAD v4.1: 3 of 1,614,178 alleles (0.00019%); highest among the groups gnomAD compares: Non-Finnish European, 0.00025%; no homozygotes.

Submission:

Labcorp Genetics (formerly Invitae), Labcorp
Classification: Uncertain significance for Dilated cardiomyopathy 1W. Last evaluated: 2024-03-09. Review status: criteria provided, single submitter. Criteria: Invitae Variant Classification Sherloc (09022015). Collection method: clinical testing. Allele origin: germline.
Comment: This sequence change replaces asparagine, which is neutral and polar, with serine, which is neutral and polar, at codon 193 of the VCL protein (p.Asn193Ser). This variant is present in population databases (no rsID available, gnomAD 0.0009%). This variant has not been reported in the literature in individuals affected with VCL-related conditions. An algorithm developed to predict the effect of missense changes on protein structure and function (PolyPhen-2) suggests that this variant is likely to be tolerated. In summary, the available evidence is currently insufficient to determine the role of this variant in disease. Therefore, it has been classified as a Variant of Uncertain Significance.

NM_014000.3(VCL):c.578A>G (p.Asn193Ser)

Gene: VCL (vinculin; plus strand). Cytogenetic location: 10q22.2.
Variant type: single nucleotide variant.
Coding change: c.578A>G on transcript NM_014000.3 (MANE Select); coding-DNA position 578, A replaced by G.
Protein change: p.Asn193Ser; replaces asparagine 193 with serine.
Molecular consequence: missense variant.
Genome position (GRCh38, 1-based): chr10:74,072,808, A>G. VCF-style: chr10-74072808-A-G. GRCh37 (hg19) VCF-style: chr10-75832566-A-G.
Other names: c.578A>G, p.Asn193Ser (NM_003373.4); short protein forms N193S.
Identifiers: ClinVar variation 2916295 (VCV002916295.3), dbSNP rs1410897483, ClinGen allele CA377268090.